The following is an entry in ClinVar:

ClinVar aggregate classification (germline): Uncertain significance (1 of 4 stars; one submission).

Submission:

Labcorp Genetics (formerly Invitae), Labcorp
Classification: Uncertain significance. Last evaluated: 2024-10-20. Review status: criteria provided, single submitter. Criteria: Invitae Variant Classification Sherloc (09022015). Collection method: clinical testing. Allele origin: germline.
Comment: This sequence change falls in intron 8 of the TET2 gene. It does not directly change the encoded amino acid sequence of the TET2 protein. This variant is not present in population databases (gnomAD no frequency). This variant has not been reported in the literature in individuals affected with TET2-related conditions. Experimental studies and prediction algorithms are not available or were not evaluated, and the functional significance of this variant is currently unknown. In summary, the available evidence is currently insufficient to determine the role of this variant in disease. Therefore, it has been classified as a Variant of Uncertain Significance.

NM_001127208.3(TET2):c.4045-3_4102dup

Genes: TET2 (tet methylcytosine dioxygenase 2; plus strand), TET2-AS1 (TET2 antisense RNA 1; minus strand). Cytogenetic location: 4q24.
Variant type: Duplication.
Coding change: c.4045-3_4102dup on transcript NM_001127208.3 (MANE Select); 3 bases into the intron before coding-DNA position 4045 through coding-DNA position 4102, 61 bases duplicated.
Molecular consequence: splice acceptor variant.
Genome position (GRCh38, 1-based): chr4:105,269,607-105,269,667, 61 bases duplicated. GRCh37 (hg19): chr4:106,190,764-106,190,824.
Identifiers: ClinVar variation 3723337 (VCV003723337.2).